The following is an entry in ClinVar:

ClinVar aggregate classification (germline): Pathogenic (1 of 4 stars; one submission).

Conditions:
Xeroderma pigmentosum group A (XPA). Also called: XPA-Related Xeroderma Pigmentosum; Xeroderma pigmentosum, complementation group A; XP, group A. Identifiers: Orphanet 910, MedGen C0268135, MONDO:0010210, OMIM 278700.

Submission:

Myriad Genetics, Inc.
Classification: Pathogenic for Xeroderma pigmentosum group A. Last evaluated: 2026-01-22. Review status: criteria provided, single submitter. Criteria: Myriad Autosomal Dominant, Autosomal Recessive and X-Linked Classification Criteria (2023). Collection method: clinical testing. Allele origin: unknown.
Comment: NM_000380.3(XPA):c.390-1G>T is a variant in a canonical splice site classified as pathogenic in the context of xeroderma pigmentosum group A. c.390-1G>T has been observed in a case with relevant disease (PMID: 9671271). Relevant functional assessments of this variant are not available in the literature. c.390-1G>T has not been observed in referenced population frequency databases. In summary, NM_000380.3(XPA):c.390-1G>T is a variant in a canonical splice site in a gene where loss of function is a known mechanism of disease, is predicted to disrupt protein function, and has been observed more frequently in cases with the relevant disease than in healthy populations. Please note: this variant was assessed in the context of healthy population screening.

Literature cited by the submitters: PubMed 9671271.

NM_000380.4(XPA):c.390-1G>T

Gene: XPA (XPA, DNA damage recognition and repair factor; minus strand). Cytogenetic location: 9q22.33.
Variant type: single nucleotide variant.
Coding change: c.390-1G>T on transcript NM_000380.4 (MANE Select); the canonical splice acceptor site of the intron before coding-DNA position 390, G replaced by T.
Molecular consequence: splice acceptor variant.
Genome position (GRCh38, 1-based): chr9:97,687,262, C>A on the plus strand (G>T on the coding strand, the complement: XPA is on the minus strand). VCF-style: chr9-97687262-C-A. GRCh37 (hg19) VCF-style: chr9-100449544-C-A.
Other names: c.264-1G>T (NM_001354975.2).
Identifiers: ClinVar variation 5004909 (VCV005004909.1).
Genomic context (GRCh38, chr9:97,687,262, plus strand): 5'-AGAAGATATTCTTGTTTTGCCTCTGTTTTGGTTATAAGCTTGTGTTTATCATCAGCATCT[C>A]TGAAAACAGATTAAGTCCATTATATAAATTAGTTATTTTAAATAAGCTAAGTTTGCAAAT-3'